The following is an entry in ClinVar:

NM_004525.3(LRP2):c.4235G>T (p.Arg1412Leu)

Gene: LRP2 (LDL receptor related protein 2; minus strand). Cytogenetic location: 2q31.1.
Variant type: single nucleotide variant.
Coding change: c.4235G>T on transcript NM_004525.3 (MANE Select); coding-DNA position 4235, G replaced by T.
Protein change: p.Arg1412Leu; replaces arginine 1412 with leucine.
Molecular consequence: missense variant.
Genome position (GRCh38, 1-based): chr2:169,239,586, C>A on the plus strand (G>T on the coding strand, the complement: LRP2 is on the minus strand). VCF-style: chr2-169239586-C-A. GRCh37 (hg19) VCF-style: chr2-170096096-C-A.
Other names: short protein forms R1412L.
Identifiers: ClinVar variation 2430570 (VCV002430570.1), dbSNP rs765779402, ClinGen allele CA349145555.

ClinVar aggregate classification (germline): Uncertain significance (1 of 4 stars; one submission).

Submission:

GeneDx
Classification: Uncertain significance. Last evaluated: 2022-08-23. Review status: criteria provided, single submitter. Criteria: GeneDx Variant Classification Process June 2021. Collection method: clinical testing. Allele origin: germline. Affected: yes.
Comment: Not observed at significant frequency in large population cohorts (gnomAD); In silico analysis supports that this missense variant has a deleterious effect on protein structure/function; Has not been previously published as pathogenic or benign to our knowledge